The following is an entry in ClinVar:

ClinVar aggregate classification (germline): Benign/Likely benign. Review status: criteria provided, multiple submitters, no conflicts (2 of 4 stars). 3 submissions from 3 submitters: Benign (1); Likely benign (1). 1 of the submissions does not count toward it. Last evaluated 2026-09-01.

Conditions:
Kleefstra syndrome 1 (KLEFS1). Identifiers: Orphanet 261494, MedGen C0795833, MONDO:0027407, OMIM 610253.
EHMT1-related disorder. Also called: EHMT1-related condition.

Allele frequency attached by ClinVar (database versions not stated): TOPMed 0.00003; ExAC 0.00007; gnomAD exomes 0.00011.
gnomAD v4.1: 32 of 1,614,118 alleles (0.002%); highest among the groups gnomAD compares: Admixed American, 0.052%; 1 homozygote.

Submissions (3):

CeGaT Center for Human Genetics Tuebingen
Classification: Likely benign. Last evaluated: 2026-09-01. Review status: criteria provided, single submitter. Criteria: CeGaT Center For Human Genetics Tuebingen Variant Classification Criteria Version 2. Collection method: clinical testing. Allele origin: germline. Affected: yes. Observed: 2 variant alleles.
Comment: EHMT1: BP4, BP7

Labcorp Genetics (formerly Invitae), Labcorp
Classification: Benign for Kleefstra syndrome 1. Last evaluated: 2026-01-28. Review status: criteria provided, single submitter. Criteria: Invitae Variant Classification Sherloc (09022015). Collection method: clinical testing. Allele origin: germline.

PreventionGenetics, part of Exact Sciences
Classification: Likely benign for EHMT1-related condition. Last evaluated: 2019-06-14. Review status: no assertion criteria provided. Collection method: clinical testing. Allele origin: germline. Not counted in ClinVar's aggregate classification.
Comment: This variant is classified as likely benign based on ACMG/AMP sequence variant interpretation guidelines (Richards et al. 2015 PMID: 25741868, with internal and published modifications).

NM_024757.5(EHMT1):c.2628C>T (p.Pro876=)

Gene: EHMT1 (euchromatic histone lysine methyltransferase 1; plus strand). Cytogenetic location: 9q34.3.
Variant type: single nucleotide variant.
Coding change: c.2628C>T on transcript NM_024757.5 (MANE Select); coding-DNA position 2628, C replaced by T.
Protein change: p.Pro876=; no amino-acid change (proline 876 retained).
Molecular consequence: synonymous variant.
Genome position (GRCh38, 1-based): chr9:137,800,900, C>T. VCF-style: chr9-137800900-C-T. GRCh37 (hg19) VCF-style: chr9-140695352-C-T.
Other names: c.2607C>T, p.Pro869= (NM_001354263.2).
Identifiers: ClinVar variation 708279 (VCV000708279.15), dbSNP rs746543655, ClinGen allele CA5375018.